The following is an entry in ClinVar:

NM_004408.4(DNM1):c.1054G>A (p.Asp352Asn)

Gene: DNM1 (dynamin 1; plus strand). Cytogenetic location: 9q34.11.
Variant type: single nucleotide variant.
Coding change: c.1054G>A on transcript NM_004408.4 (MANE Select); coding-DNA position 1054, G replaced by A.
Protein change: p.Asp352Asn; replaces aspartic acid 352 with asparagine.
Molecular consequence: missense variant.
Genome position (GRCh38, 1-based): chr9:128,222,522, G>A. VCF-style: chr9-128222522-G-A. GRCh37 (hg19) VCF-style: chr9-130984801-G-A.
Other names: c.1054G>A, p.Asp352Asn (NM_001005336.3, NM_001288737.2, NM_001288738.2 and 2 more transcripts); short protein forms D352N.
Identifiers: ClinVar variation 1005914 (VCV001005914.9), dbSNP rs148695604, ClinGen allele CA200349960.

ClinVar aggregate classification (germline): Uncertain significance (1 of 4 stars; one submission).

Conditions:
Developmental and epileptic encephalopathy, 31A. Also called: Epileptic encephalopathy, early infantile, 31; Developmental and epileptic encephalopathy, 31. Identifiers: Orphanet 2382, MedGen C4225357, MONDO:0014598, OMIM 616346.

Allele frequency attached by ClinVar (database versions not stated): TOPMed below 0.00001; ESP Exome Variant Server 0.00008.

Submission:

Labcorp Genetics (formerly Invitae), Labcorp
Classification: Uncertain significance for Developmental and epileptic encephalopathy, 31A. Last evaluated: 2022-02-05. Review status: criteria provided, single submitter. Criteria: Invitae Variant Classification Sherloc (09022015). Collection method: clinical testing. Allele origin: germline.
Comment: This variant is not present in population databases (gnomAD no frequency). This sequence change replaces aspartic acid, which is acidic and polar, with asparagine, which is neutral and polar, at codon 352 of the DNM1 protein (p.Asp352Asn). This variant has not been reported in the literature in individuals affected with DNM1-related conditions. ClinVar contains an entry for this variant (Variation ID: 1005914). Advanced modeling of protein sequence and biophysical properties (such as structural, functional, and spatial information, amino acid conservation, physicochemical variation, residue mobility, and thermodynamic stability) performed at Invitae indicates that this missense variant is not expected to disrupt DNM1 protein function. In summary, the available evidence is currently insufficient to determine the role of this variant in disease. Therefore, it has been classified as a Variant of Uncertain Significance.